The following is an entry in ClinVar:

NM_030780.5(SLC25A32):c.211A>G (p.Thr71Ala)

Gene: SLC25A32 (solute carrier family 25 member 32; minus strand). Cytogenetic location: 8q22.3.
Variant type: single nucleotide variant.
Coding change: c.211A>G on transcript NM_030780.5 (MANE Select); coding-DNA position 211, A replaced by G.
Protein change: p.Thr71Ala; replaces threonine 71 with alanine.
Molecular consequence: missense variant. On other transcripts: non-coding transcript variant (2).
Genome position (GRCh38, 1-based): chr8:103,407,728, T>C on the plus strand (A>G on the coding strand, the complement: SLC25A32 is on the minus strand). VCF-style: chr8-103407728-T-C. GRCh37 (hg19) VCF-style: chr8-104419956-T-C.
Other names: short protein forms T71A.
Identifiers: ClinVar variation 1988627 (VCV001988627.4), dbSNP rs564720045, ClinGen allele CA4835537.
Genomic context (GRCh38, chr8:103,407,728, plus strand): 5'-CCCATATATTTGGGGTTACTCCTTGATAAAGTCCCCGTAGTCCATCAAGTTTCCAAATGG[T>C]AGTCAAGCAATGTAAAATTCCATTATATTTCGGTCTCAGTTCCAATCCATCACTCACTGC-3'
Protein context (NP_110407.2, residues 61-81): KYNGILHCLT[Thr71Ala]IWKLDGLRGL

ClinVar aggregate classification (germline): Uncertain significance (1 of 4 stars; one submission).

Allele frequency attached by ClinVar (database versions not stated): gnomAD 0.00002; gnomAD exomes 0.00002; TOPMed 0.00003; ExAC 0.00007.
gnomAD v4.1: 43 of 1,613,350 alleles (0.0027%); highest among the groups gnomAD compares: East Asian, 0.029%; 1 homozygote.

Submission:

Labcorp Genetics (formerly Invitae), Labcorp
Classification: Uncertain significance. Last evaluated: 2025-10-24. Review status: criteria provided, single submitter. Criteria: Invitae Variant Classification Sherloc (09022015). Collection method: clinical testing. Allele origin: germline.
Comment: This sequence change replaces threonine, which is neutral and polar, with alanine, which is neutral and non-polar, at codon 71 of the SLC25A32 protein (p.Thr71Ala). This variant is present in population databases (rs564720045, gnomAD 0.05%). This variant has not been reported in the literature in individuals affected with SLC25A32-related conditions. ClinVar contains an entry for this variant (Variation ID: 1988627). Invitae Evidence Modeling of protein sequence and biophysical properties (such as structural, functional, and spatial information, amino acid conservation, physicochemical variation, residue mobility, and thermodynamic stability) indicates that this missense variant is not expected to disrupt SLC25A32 protein function with a negative predictive value of 80%. In summary, the available evidence is currently insufficient to determine the role of this variant in disease. Therefore, it has been classified as a Variant of Uncertain Significance.